The following is an entry in ClinVar:

NM_001034853.2(RPGR):c.2820_2840del (p.Asp943_Glu949del)

Gene: RPGR (retinitis pigmentosa GTPase regulator; minus strand). Cytogenetic location: Xp11.4.
Variant type: Deletion.
Coding change: c.2820_2840del on transcript NM_001034853.2 (MANE Select); coding-DNA positions 2820 to 2840, 21 bases deleted (AGGGGAGGATGGAGAAGGGGA).
Protein change: p.Asp943_Glu949del.
Molecular consequence: inframe deletion. On other transcripts: intron variant (8).
Genome position (GRCh38, 1-based): chrX:38,286,159-38,286,179, TCCCCTTCTCCATCCTCCCCT deleted on the plus strand (AGGGGAGGATGGAGAAGGGGA on the coding strand, the reverse complement: RPGR is on the minus strand); deleting any 21 consecutive bases within chrX:38,286,159-38,286,190 gives the same sequence; the c. name uses the placement nearest the transcript's 3' end. VCF-style (leftmost placement, unchanged base first): chrX-38286158-CTCCCCTTCTCCATCCTCCCCT-C. GRCh37 (hg19) VCF-style: chrX-38145411-CTCCCCTTCTCCATCCTCCCCT-C.
Other names: NM_001034853.2(RPGR):c.2820_2840del; p.Asp943_Glu949del; c.1719+915_1719+935del (NM_001367246.1); c.1572+4780_1572+4800del (NM_001367247.1); c.1905+915_1905+935del (NM_000328.3); c.1602+4780_1602+4800del (NM_001367248.1); c.1569+4780_1569+4800del (NM_001367249.1, NM_001367250.1); c.1902+915_1902+935del (NM_001367245.1); and 1 more.
Identifiers: ClinVar variation 2430223 (VCV002430223.5), dbSNP rs764268405, ClinGen allele CA2580100844.

ClinVar aggregate classification (germline): Uncertain significance. Review status: reviewed by expert panel (3 of 4 stars). 3 submissions from 3 submitters: Uncertain significance (1). 2 of the submissions do not count toward it. Last evaluated 2025-09-05.

Conditions:
RPGR-related retinopathy. Also called: RPGR retinopathy. Identifiers: MedGen CN305589, MONDO:0100437.
Primary ciliary dyskinesia. Also called: Ciliary dyskinesia. Identifiers: Orphanet 244, MedGen C0008780, MONDO:0016575, HP:0012265.

Submissions (3):

ClinGen X-linked Inherited Retinal Disease Variant Curation Expert Panel, ClinGen
Classification: Uncertain significance for RPGR-related retinopathy. Last evaluated: 2025-09-05. Review status: reviewed by expert panel. Criteria: ClinGen X LinkedIRD ACMG Specifications RPGR V1.0.0. Collection method: curation. Allele origin: germline. Inheritance: X-linked inheritance.
Comment: NM_001034853.2(RPGR):c.2820_2840del (p.Gly941_Glu947del) is a short in-frame deletion of 21 base pairs encoding amino acids 941 through 947 and is located within a low-complexity region (PMID: 27162334) that extends approximately from amino acids 787–1043 in RPGR (BP3). This variant is absent from hemizygotes in gnomAD v4.1.0. In summary, this variant is classified as a variant of uncertain significance for RPGR-related retinopathy based on the ClinGen X-linked Inherited Retinal Disease Expert Panel Specifications to the ACMG/AMP Variant Interpretation Guidelines for RPGR Version 1.0.0; PM2_Supporting and BP3.

Labcorp Genetics (formerly Invitae), Labcorp
Classification: Uncertain significance for Primary ciliary dyskinesia. Last evaluated: 2025-07-31. Review status: criteria provided, single submitter. Criteria: Invitae Variant Classification Sherloc (09022015). Collection method: clinical testing. Allele origin: germline. Not counted in ClinVar's aggregate classification.
Comment: This variant, c.2820_2840del, results in the deletion of 7 amino acid(s) of the RPGR (ORF15) protein (p.Asp943_Glu949del), but otherwise preserves the integrity of the reading frame. The frequency data for this variant in the population databases is considered unreliable, as metrics indicate insufficient coverage at this position in the gnomAD database. This variant has not been reported in the literature in individuals affected with RPGR (ORF15)-related conditions. ClinVar contains an entry for this variant (Variation ID: 2430223). Experimental studies and prediction algorithms are not available or were not evaluated, and the functional significance of this variant is currently unknown. In summary, the available evidence is currently insufficient to determine the role of this variant in disease. Therefore, it has been classified as a Variant of Uncertain Significance.

PreventionGenetics, part of Exact Sciences
Classification: Likely benign. Last evaluated: 2021-12-08. Review status: criteria provided, single submitter. Criteria: ACMG Guidelines, 2015. Collection method: clinical testing. Allele origin: germline. Not counted in ClinVar's aggregate classification.